The following is an entry in ClinVar:

ClinVar aggregate classification (germline): Likely benign (0 of 4 stars; one submission).

Conditions:
FBN2-related disorder. Also called: FBN2-related condition.

Submission:

PreventionGenetics, part of Exact Sciences
Classification: Likely benign for FBN2-related condition. Last evaluated: 2023-08-09. Review status: no assertion criteria provided. Collection method: clinical testing. Allele origin: germline.
Comment: This variant is classified as likely benign based on ACMG/AMP sequence variant interpretation guidelines (Richards et al. 2015 PMID: 25741868, with internal and published modifications).

NM_001999.4(FBN2):c.3921C>G (p.Arg1307=)

Gene: FBN2 (fibrillin 2; minus strand). Cytogenetic location: 5q23.3.
Variant type: single nucleotide variant.
Coding change: c.3921C>G on transcript NM_001999.4 (MANE Select); coding-DNA position 3921, C replaced by G.
Protein change: p.Arg1307=; no amino-acid change (arginine 1307 retained).
Molecular consequence: synonymous variant.
Genome position (GRCh38, 1-based): chr5:128,335,222, G>C on the plus strand (C>G on the coding strand, the complement: FBN2 is on the minus strand). VCF-style: chr5-128335222-G-C. GRCh37 (hg19) VCF-style: chr5-127670914-G-C.
Identifiers: ClinVar variation 3048897 (VCV003048897.2), dbSNP rs2479800617, ClinGen allele CA446310064.